The following is an entry in ClinVar:

NM_170601.5(SIAE):c.723-3C>G

Gene: SIAE (sialic acid acetylesterase; minus strand). Cytogenetic location: 11q24.2.
Variant type: single nucleotide variant.
Coding change: c.723-3C>G on transcript NM_170601.5 (MANE Select); 3 bases into the intron before coding-DNA position 723, C replaced by G.
Molecular consequence: intron variant.
Genome position (GRCh38, 1-based): chr11:124,648,178, G>C on the plus strand (C>G on the coding strand, the complement: SIAE is on the minus strand). VCF-style: chr11-124648178-G-C. GRCh37 (hg19) VCF-style: chr11-124518074-G-C.
Other names: c.618-3C>G (NM_001199922.2).
Identifiers: ClinVar variation 2169879 (VCV002169879.4), dbSNP rs369759724, ClinGen allele CA6341422.

ClinVar aggregate classification (germline): Uncertain significance (1 of 4 stars; one submission).

Allele frequency attached by ClinVar (database versions not stated): ExAC 0.00001; gnomAD exomes 0.00001; TOPMed 0.00002; ESP Exome Variant Server 0.00008.
gnomAD v4.1: 17 of 1,607,112 alleles (0.0011%); highest among the groups gnomAD compares: Non-Finnish European, 0.0014%; no homozygotes.

Submission:

Labcorp Genetics (formerly Invitae), Labcorp
Classification: Uncertain significance. Last evaluated: 2024-07-23. Review status: criteria provided, single submitter. Criteria: Invitae Variant Classification Sherloc (09022015). Collection method: clinical testing. Allele origin: germline.
Comment: This sequence change falls in intron 5 of the SIAE gene. It does not directly change the encoded amino acid sequence of the SIAE protein. It affects a nucleotide within the consensus splice site. This variant is present in population databases (rs369759724, gnomAD 0.002%). This variant has not been reported in the literature in individuals affected with SIAE-related conditions. ClinVar contains an entry for this variant (Variation ID: 2169879). Variants that disrupt the consensus splice site are a relatively common cause of aberrant splicing (PMID: 17576681, 9536098). Algorithms developed to predict the effect of sequence changes on RNA splicing suggest that this variant may disrupt the consensus splice site. In summary, the available evidence is currently insufficient to determine the role of this variant in disease. Therefore, it has been classified as a Variant of Uncertain Significance.

Literature cited by the submitters: PubMed 17576681; PubMed 9536098.